The following is an entry in ClinVar:

ClinVar aggregate classification (germline): Pathogenic/Likely pathogenic. Review status: criteria provided, multiple submitters, no conflicts (2 of 4 stars). 2 submissions from 2 submitters: Pathogenic (1); Likely pathogenic (1). Last evaluated 2026-07-22.

Conditions:
Baller-Gerold syndrome (BGS). Also called: CRANIOSYNOSTOSIS WITH RADIAL DEFECTS. Identifiers: Orphanet 1225, MedGen C0265308, MONDO:0009039, OMIM 218600.
Rothmund-Thomson syndrome type 2 (RTS2). Identifiers: Orphanet 221016, MedGen C5203410, MONDO:0016369, OMIM 268400.
Rapadilino syndrome. Identifiers: Orphanet 3021, MedGen C1849453, MONDO:0009955, OMIM 266280.

Submissions (2):

Department of Molecular Genetics, Istishari Arab Hospital
Classification: Likely pathogenic for Baller-Gerold syndrome; Rapadilino syndrome; Rothmund-Thomson syndrome type 2. Last evaluated: 2026-07-22. Review status: criteria provided, single submitter. Criteria: ACMG Guidelines, 2015. Collection method: clinical testing. Allele origin: germline. Inheritance: Autosomal recessive inheritance. Affected: yes.
Comment: The RECQL4 variant c.1343_1347del, p.Pro448Argfs*19 creates a shift in the reading frame at position 448 in exon 7 (out of 21 exons), which results in a termination codon 19 positions downstream. This variant is not observed in the gnomAD v4.1.0 dataset, and to the best of our knowledge, it was not previously reported in the literature. Loss-of-function variants were previously reported as disease-causing RECQL4-related disorders (PMID: 12734318‚ 12952869‚ 24635570). It is classified as likely pathogenic according to the recommendations of ACMG/AMP/ClinGen SVI guidelines.

Labcorp Genetics (formerly Invitae), Labcorp
Classification: Pathogenic for Baller-Gerold syndrome. Last evaluated: 2025-06-09. Review status: criteria provided, single submitter. Criteria: Invitae Variant Classification Sherloc (09022015). Collection method: clinical testing. Allele origin: germline.
Comment: This sequence change creates a premature translational stop signal (p.Pro448Argfs*19) in the RECQL4 gene. It is expected to result in an absent or disrupted protein product. Loss-of-function variants in RECQL4 are known to be pathogenic (PMID: 12734318, 12952869). This variant is not present in population databases (gnomAD no frequency). This premature translational stop signal has been observed in individual(s) with clinical features of Rothmund–Thomson syndrome (PMID: 24635570). ClinVar contains an entry for this variant (Variation ID: 2735234). For these reasons, this variant has been classified as Pathogenic.

Literature cited by the submitters: PubMed 12734318 (cited by Department of Molecular Genetics, Istishari Arab Hospital and Labcorp Genetics (formerly Invitae), Labcorp); PubMed 12952869 (cited by Department of Molecular Genetics, Istishari Arab Hospital and Labcorp Genetics (formerly Invitae), Labcorp); PubMed 24635570 (cited by Department of Molecular Genetics, Istishari Arab Hospital and Labcorp Genetics (formerly Invitae), Labcorp).

NM_004260.4(RECQL4):c.1343_1347del (p.Pro448fs)

Gene: RECQL4 (RecQ like helicase 4; minus strand). Cytogenetic location: 8q24.3.
Variant type: Deletion.
Coding change: c.1343_1347del on transcript NM_004260.4 (MANE Select); coding-DNA positions 1343 to 1347, 5 bases deleted (CCACC; older notation c.1343_1347delCCACC).
Protein change: p.Pro448fs; shifts the reading frame from proline 448.
Molecular consequence: frameshift variant. On other transcripts: 5 prime UTR variant (1), non-coding transcript variant (3).
Genome position (GRCh38, 1-based): chr8:144,515,369-144,515,373, GGTGG deleted on the plus strand (CCACC on the coding strand, the reverse complement: RECQL4 is on the minus strand); deleting any 5 consecutive bases within chr8:144,515,369-144,515,376 gives the same sequence; the c. name uses the placement nearest the transcript's 3' end. VCF-style (leftmost placement, unchanged base first): chr8-144515368-CGGTGG-C. GRCh37 (hg19) VCF-style: chr8-145740752-CGGTGG-C.
Other names: p.Pro448Argfs*19; c.1247_1251del, p.Pro416fs (NM_001413017.1, NM_001413020.1); c.1343_1347del, p.Pro448fs (NM_001413018.1, NM_001413019.1, NM_001413033.1 and 2 more transcripts); c.272_276del, p.Pro91fs (NM_001413021.1, NM_001413022.1, NM_001413023.1 and 8 more transcripts); c.1214_1218del, p.Pro405fs (NM_001413025.1); c.206_210del, p.Pro69fs (NM_001413027.1, NM_001413030.1, NM_001413031.1 and 2 more transcripts); c.992_996del, p.Pro331fs (NM_001413029.1); c.-125_-121del (NM_001413043.1); short protein forms P331fs, P91fs, P416fs, P405fs, P69fs, P448fs.
Identifiers: ClinVar variation 2735234 (VCV002735234.4), dbSNP rs2538063597, ClinGen allele CA2695210439.